The following is an entry in ClinVar:

NM_000552.5(VWF):c.3970G>A (p.Gly1324Ser)

Gene: VWF (von Willebrand factor; minus strand). Cytogenetic location: 12p13.31.
Variant type: single nucleotide variant.
Coding change: c.3970G>A on transcript NM_000552.5 (MANE Select); coding-DNA position 3970, G replaced by A.
Protein change: p.Gly1324Ser; replaces glycine 1324 with serine.
Molecular consequence: missense variant.
Genome position (GRCh38, 1-based): chr12:6,019,448, C>T on the plus strand (G>A on the coding strand, the complement: VWF is on the minus strand). VCF-style: chr12-6019448-C-T. GRCh37 (hg19) VCF-style: chr12-6128614-C-T.
Other names: NM_000552.4(VWF):c.3970G>A; c.3970G>A (NM_000552.3, NM_000552.4); short protein forms G1324S.
Identifiers: ClinVar variation 300 (VCV000000300.9), dbSNP rs61749398, ClinGen allele CA114147.
Genomic context (GRCh38, chr12:6,019,448, plus strand): 5'-CAATGCGCCGCAGCTCTGACGGTCGCTTCCGGTCCTTGAGCCCGATGTAGGCGTGGGAGC[C>T]GTCGTGGTACTCCACCACGGCCACGCGGACCCACTTCTGGGAGATGCGCAGCCGCTCCAT-3'
Protein context (NP_000543.3, residues 1314-1334): VRVAVVEYHD[Gly1324Ser]SHAYIGLKDR

ClinVar aggregate classification (germline): Pathogenic. Review status: reviewed by expert panel (3 of 4 stars). 8 submissions from 8 submitters: Pathogenic (1). 7 of the submissions do not count toward it. Last evaluated 2024-08-13.

Conditions:
von Willebrand disease type 2 (VWD2). Also called: VON WILLEBRAND DISEASE, TYPE 2A/IIE; VON WILLEBRAND DISEASE, TYPE 2CB; VON WILLEBRAND DISEASE, TYPE II; VWD, TYPE 2. Identifiers: Orphanet 166081, Orphanet 903, MedGen C1264040, MONDO:0013304, OMIM 613554.
von Willebrand disease type 2M (VWD2M). Identifiers: Orphanet 166090, MedGen C1282974, MONDO:0015630.

Allele frequency attached by ClinVar (database versions not stated): gnomAD exomes below 0.00001 and 0.00001; gnomAD 0.00001; ExAC 0.00002.
gnomAD v4.1: 7 of 1,613,746 alleles (0.00043%); highest among the groups gnomAD compares: South Asian, 0.0022%; no homozygotes.

Submissions (8):

ClinGen von Willebrand Disease Variant Curation Expert Panel, ClinGen
Classification: Pathogenic for von Willebrand disease type 2M. Last evaluated: 2024-08-13. Review status: reviewed by expert panel. Criteria: ClinGen VWD 2A B M Rules. Collection method: curation. Allele origin: germline. Inheritance: Autosomal dominant inheritance.
Comment: The NM_000552.4(VWF):c.3970G>A (p.Gly1324Ser) variant is a missense variant predicted to cause substitution of Glycine by Serine at amino acid 1324. At least 1 patient with this variant displayed excessive mucocutaneous bleeding as well as laboratory phenotypes of a normal multimer pattern, low VWF:RCo/VWF:Ag ratio, and a decreased GP1b binding assay, which together are highly specific for VWD type 2M (PP4_moderate, PMID: 30084138). The variant has been reported to segregate with VWD type 2M through 2 affected meioses from 1 family (PP1; PMID: 29341351). At least 3 additional VWD type 2M probands have been reported with this variant (PMIDs: 29341351, 22102201, 1409710; PS4_moderate). The Grpmax filtering allele frequency in gnomAD v4.1 is 0.000003650 (based on 2/91074 alleles in the South Asian population), which is lower than the ClinGen VWD VCEP threshold of <0.0001 (PM2_Supporting). The computational predictor REVEL gives a score of 0.718, which is above the ClinGen VWD VCEP threshold of >0.644 and predicts a damaging effect on VWF function (PP3). A platelet binding assay in COS-7 cells expressing recombinant VWF showed decreased binding indicating that this variant has a damaging effect on protein function. In a direct binding assay, the ristocetin-induced binding of rvWF(G1324S) to platelets was markedly reduced compared with rvWF(wt). (PMID: 1409710) (PS3). In summary, this variant meets the criteria to be classified as Pathogenic for autosomal dominant VWD type 2M based on the ACMG/AMP criteria applied, as specified by the ClinGen VWD VCEP: PS3, PM2_supporting, PP1, PP3, PP4_moderate, PS4_moderate. (VCEP specifications version Pilot; date of approval).

Dasa
Classification: Pathogenic. Last evaluated: 2026-01-08. Review status: criteria provided, single submitter. Criteria: DASA Assertion Criteria. Collection method: clinical testing. Allele origin: germline. Not counted in ClinVar's aggregate classification.
Comment: NM_000552.5(VWF):c.3970G>A (p.Gly1324Ser) is a missense variant that results in the substitution of glycine with serine. The affected residue or protein region has prior evidence supporting clinical relevance. Segregation evidence has been reported in affected families. Functional evidence supports a deleterious effect on the gene or gene product (PMID: 30084138; PMID: 28980759; PMID: 22102201; PMID: 29341351; PMID: 12008946). This variant has been recurrently observed in individuals with related phenotype (PMID: 30084138; PMID: 28980759; PMID: 22102201; PMID: 29341351; PMID: 12008946). Multiple computational predictions support a deleterious effect on the gene or gene product. The variant is present at low frequency in population datasets. Based on the available data, this variant is classified as pathogenic.

GeneDx
Classification: Likely pathogenic. Last evaluated: 2024-07-25. Review status: criteria provided, single submitter. Criteria: GeneDx Variant Classification Process June 2021. Collection method: clinical testing. Allele origin: germline. Affected: yes. Not counted in ClinVar's aggregate classification.
Comment: Identified in the heterozgyous state in multiple patients with type 2M von Willebrand factor deficiency referred for genetic testing at GeneDx and in published literature, and thought to result in a mild clinical bleeding phenotype (PMID: 29341351, 1409710, 30084138); Published functional studies demonstrate a reduction of VWF activity (PMID: 1409710, 25185554, 29341351); Not observed at significant frequency in large population cohorts (gnomAD); Also known as G561S; This variant is associated with the following publications: (PMID: 25185554, 27761512, 37872709, 29341351, 1409710, 27889474, 34141704, 30084138, 35833249, 26677223, 22102201)

Quest Diagnostics Nichols Institute San Juan Capistrano
Classification: Likely pathogenic. Last evaluated: 2023-05-12. Review status: criteria provided, single submitter. Criteria: Quest Diagnostics criteria. Collection method: clinical testing. Allele origin: unknown. Not counted in ClinVar's aggregate classification.
Comment: The frequency of this variant in the general population, 0.000008 (2/250604 chromosomes), is consistent with pathogenicity. In the published literature, the variant has been reported in affected individuals with Type 2B and Type 2M VWD (PMIDs: 29341351 (2018), 27761512 (2016), 25185554 (2014), 22102201 (2011), and 1409710 (1992)). Functional studies demonstrated that this variant is damaging to protein function (PMIDs: 29341351 (2018), 27761512 (2016), 25185554 (2014), and 1409710 (1992)). Analysis of this variant using bioinformatics tools for the prediction of the effect of amino acid changes on protein structure and function yielded predictions that this variant is damaging. Based on the available information, this variant is classified as likely pathogenic.

Genetics and Molecular Pathology, SA Pathology
Classification: Pathogenic for von Willebrand disease type 2. Last evaluated: 2021-04-21. Review status: criteria provided, single submitter. Criteria: ACMG Guidelines, 2015. Collection method: clinical testing. Allele origin: germline. Affected: yes. Not counted in ClinVar's aggregate classification.

Juno Genomics, Hangzhou Juno Genomics, Inc
Classification: Pathogenic for von Willebrand disease type 2. Review status: criteria provided, single submitter. Criteria: ACMG Guidelines, 2015. Collection method: clinical testing. Allele origin: germline. Not counted in ClinVar's aggregate classification.
Comment: Absent from controls (or at extremely low frequency if recessive) in Genome Aggregation Database.;Co-segregation with disease in multiple affected family members.;Multiple lines of computational evidence support a deleterious effect on the gene or gene product.;Patient's phenotype or family history is highly specific for a disease with a single genetic etiology.;Well-established in vitro or in vivo functional studies supportive of a damaging effect on the gene or gene product.;The prevalence of the variant in affected individuals is significantly increased compared to the prevalence in controls.

OMIM
Classification: Pathogenic for VON WILLEBRAND DISEASE, TYPE 2M. Last evaluated: 2010-05-01. Review status: no assertion criteria provided. Collection method: literature only. Allele origin: germline. Not counted in ClinVar's aggregate classification.

Academic Unit of Haematology, University of Sheffield
No classification provided. Review status: no classification provided. Collection method: not provided. Allele origin: not provided. Not counted in ClinVar's aggregate classification.

Literature cited by the submitters: PubMed 30084138 (cited by Dasa); PubMed 28980759 (cited by Dasa); PubMed 22102201 (cited by Dasa and Quest Diagnostics Nichols Institute San Juan Capistrano); PubMed 29341351 (cited by Dasa and Quest Diagnostics Nichols Institute San Juan Capistrano); PubMed 12008946 (cited by Dasa); PubMed 35833249 (cited by Dasa); PubMed 1409710 (cited by 3 submitters); PubMed 31628947 (cited by Dasa); PubMed 2557900 (cited by Quest Diagnostics Nichols Institute San Juan Capistrano and OMIM); PubMed 6426499 (cited by Quest Diagnostics Nichols Institute San Juan Capistrano and OMIM); PubMed 27761512 (cited by Quest Diagnostics Nichols Institute San Juan Capistrano); PubMed 25185554 (cited by Quest Diagnostics Nichols Institute San Juan Capistrano); PubMed 20409624 (cited by OMIM).